The following is an entry in ClinVar:

NM_001848.3(COL6A1):c.1611+9G>A

Gene: COL6A1 (collagen type VI alpha 1 chain; plus strand). Cytogenetic location: 21q22.3.
Variant type: single nucleotide variant.
Coding change: c.1611+9G>A on transcript NM_001848.3 (MANE Select); 9 bases into the intron after coding-DNA position 1611, G replaced by A.
Molecular consequence: intron variant.
Genome position (GRCh38, 1-based): chr21:45,998,442, G>A. VCF-style: chr21-45998442-G-A. GRCh37 (hg19) VCF-style: chr21-47418356-G-A.
Identifiers: ClinVar variation 391315 (VCV000391315.6), dbSNP rs186975997, ClinGen allele CA10070441.
Genomic context (GRCh38, chr21:45,998,442, plus strand): 5'-TGCTTTTCCATGACAGGGGTATCCGGGCAACAGGGGCGCTCCCGGGATAAACGTGAGTAC[G>A]CCCCCTCCTCCATCTGGCTGTGGGCACACAAACATTCACAGTCACAGGGACACGCACGTG-3'

ClinVar aggregate classification (germline): Likely benign. Review status: criteria provided, multiple submitters, no conflicts (2 of 4 stars). 2 submissions from 2 submitters: Likely benign (2). Last evaluated 2024-01-26.

Conditions:
Bethlem myopathy 1A. Also called: Bethlem myopathy 1; MYOPATHY, BENIGN CONGENITAL, WITH CONTRACTURES; Bethlem Muscular Dystrophy. Identifiers: Orphanet 610, MedGen CN029274, MONDO:0024530, OMIM 158810.

Allele frequency attached by ClinVar (database versions not stated): ExAC 0.00001; gnomAD exomes 0.00001; gnomAD 0.00002 and 0.00003; TOPMed 0.00002; 1000 Genomes Project 30x 0.00016.
gnomAD v4.1: 22 of 1,613,208 alleles (0.0014%); highest among the groups gnomAD compares: Middle Eastern, 0.016%; no homozygotes.

Submissions (2):

Labcorp Genetics (formerly Invitae), Labcorp
Classification: Likely benign for Bethlem myopathy 1A. Last evaluated: 2024-01-26. Review status: criteria provided, single submitter. Criteria: Invitae Variant Classification Sherloc (09022015). Collection method: clinical testing. Allele origin: germline.

GeneDx
Classification: Likely benign. Last evaluated: 2016-12-07. Review status: criteria provided, single submitter. Criteria: GeneDx Variant Classification (06012015). Collection method: clinical testing. Allele origin: germline. Affected: yes.
Comment: This variant is considered likely benign or benign based on one or more of the following criteria: it is a conservative change, it occurs at a poorly conserved position in the protein, it is predicted to be benign by multiple in silico algorithms, and/or has population frequency not consistent with disease.